The following is an entry in ClinVar:

NM_000088.4(COL1A1):c.3952_3954del (p.Pro1318del)

Gene: COL1A1 (collagen type I alpha 1 chain; minus strand). Cytogenetic location: 17q21.33.
Variant type: Deletion.
Coding change: c.3952_3954del on transcript NM_000088.4 (MANE Select); coding-DNA positions 3952 to 3954, 3 bases deleted (CCC; older notation c.3952_3954delCCC).
Protein change: p.Pro1318del; deletes proline 1318.
Molecular consequence: inframe deletion.
Genome position (GRCh38, 1-based): chr17:50,186,368-50,186,370, GGG deleted on the plus strand (CCC on the coding strand, the reverse complement: COL1A1 is on the minus strand); deleting any 3 consecutive bases within chr17:50,186,368-50,186,371 gives the same sequence; the c. name uses the placement nearest the transcript's 3' end. VCF-style (leftmost placement, unchanged base first): chr17-50186367-TGGG-T. GRCh37 (hg19) VCF-style: chr17-48263728-TGGG-T.
Other names: c.3952_3954delCCC (NM_000088.4); short protein forms P1318del.
Identifiers: ClinVar variation 1021551 (VCV001021551.12), dbSNP rs1451296434, ClinGen allele CA626689433.
Genomic context (GRCh38, chr17:50,186,367, plus strand): 5'-GCTCACGCACCTGGAATCCATCGGTCATGCTCTCGCCGAACCAGACATGCCTCTTGTCCT[TGGG>T]GTTCTTGCTGATGTACCAGTTCTTCTGGGCCACACTGGGCTGAGTGGGGTACACGCAGGT-3'

ClinVar aggregate classification (germline): Uncertain significance. Review status: criteria provided, multiple submitters, no conflicts (2 of 4 stars). 3 submissions from 3 submitters: Uncertain significance (3). Last evaluated 2026-05-07.

Conditions:
Cardiovascular phenotype. Identifiers: MedGen CN230736.
Osteogenesis imperfecta type I (OI1). Also called: OI, TYPE I; OSTEOGENESIS IMPERFECTA TARDA; OSTEOGENESIS IMPERFECTA WITH BLUE SCLERAE; Osteogenesis imperfecta type 1; Lobstein's Disease; Classic Non-deforming Osteogenesis Imperfecta with Blue Sclerae. Identifiers: Orphanet 216796, Orphanet 666, MedGen C0023931, MONDO:0008146, OMIM 166200. Disease mechanism: loss of function.

Submissions (3):

Women's Health and Genetics/Laboratory Corporation of America, LabCorp
Classification: Uncertain significance. Last evaluated: 2026-05-07. Review status: criteria provided, single submitter. Criteria: LabCorp Variant Classification Summary - May 2015. Collection method: clinical testing. Allele origin: germline.
Comment: Variant summary: COL1A1 c.3952_3954delCCC (p.Pro1318del) results in an in-frame deletion that is predicted to remove one amino acid from the encoded protein. The variant allele was found at a frequency of 1.2e-05 in 251488 control chromosomes. The available data on variant occurrences in the general population are insufficient to allow any conclusion about variant significance. To our knowledge, no occurrence of c.3952_3954delCCC in individuals affected with COL1A1-related conditions and no experimental evidence demonstrating its impact on protein function have been reported. ClinVar contains an entry for this variant (Variation ID: 1021551). Based on the evidence outlined above, the variant was classified as uncertain significance.

Labcorp Genetics (formerly Invitae), Labcorp
Classification: Uncertain significance for Osteogenesis imperfecta type I. Last evaluated: 2025-11-08. Review status: criteria provided, single submitter. Criteria: Invitae Variant Classification Sherloc (09022015). Collection method: clinical testing. Allele origin: germline.
Comment: This variant, c.3952_3954del, results in the deletion of 1 amino acid(s) of the COL1A1 protein (p.Pro1318del), but otherwise preserves the integrity of the reading frame. The frequency data for this variant in the population databases is considered unreliable, as metrics indicate poor data quality at this position in the gnomAD database. This variant has not been reported in the literature in individuals affected with COL1A1-related conditions. ClinVar contains an entry for this variant (Variation ID: 1021551). Experimental studies and prediction algorithms are not available or were not evaluated, and the functional significance of this variant is currently unknown. In summary, the available evidence is currently insufficient to determine the role of this variant in disease. Therefore, it has been classified as a Variant of Uncertain Significance.

Ambry Genetics
Classification: Uncertain significance for Cardiovascular phenotype. Last evaluated: 2023-02-07. Review status: criteria provided, single submitter. Criteria: Ambry Variant Classification Scheme 2023. Collection method: clinical testing. Allele origin: germline.
Comment: The c.3952_3954delCCC variant (also known as p.P1318del) is located in coding exon 49 of the COL1A1 gene. This variant results from an in-frame CCC deletion at nucleotide positions 3952 to 3954. This results in the in-frame deletion of a proline at codon 1318. This amino acid position is not well conserved in available vertebrate species. In addition, the in silico prediction for this alteration is inconclusive (Choi Y et al. PLoS ONE. 2012; 7(10):e46688). Since supporting evidence is limited at this time, the clinical significance of this alteration remains unclear.